The following is an entry in ClinVar:

ClinVar aggregate classification (germline): Pathogenic (1 of 4 stars; one submission).

Conditions:
Early-infantile DEE. Also called: Ohtahara syndrome; Early infantile epileptic encephalopathy with suppression bursts; Early infantile epileptic encephalopathy. Identifiers: Orphanet 1934, MedGen C0393706, MONDO:0800491.

Submission:

Labcorp Genetics (formerly Invitae), Labcorp
Classification: Pathogenic for Early-infantile DEE. Last evaluated: 2023-12-02. Review status: criteria provided, single submitter. Criteria: Invitae Variant Classification Sherloc (09022015). Collection method: clinical testing. Allele origin: germline.
Comment: This sequence change creates a premature translational stop signal (p.Lys625*) in the KCNQ2 gene. While this is not anticipated to result in nonsense mediated decay, it is expected to disrupt the last 248 amino acid(s) of the KCNQ2 protein. This variant is not present in population databases (gnomAD no frequency). This variant has not been reported in the literature in individuals affected with KCNQ2-related conditions. Algorithms developed to predict the effect of sequence changes on RNA splicing suggest that this variant may disrupt the consensus splice site. This variant disrupts a region of the KCNQ2 protein in which other variant(s) (p.Lys829Serfs*35) have been determined to be pathogenic (Invitae). This suggests that this is a clinically significant region of the protein, and that variants that disrupt it are likely to be disease-causing. For these reasons, this variant has been classified as Pathogenic.

NM_172107.4(KCNQ2):c.1873A>T (p.Lys625Ter)

Gene: KCNQ2 (potassium voltage-gated channel subfamily Q member 2; minus strand). Cytogenetic location: 20q13.33.
Variant type: single nucleotide variant.
Coding change: c.1873A>T on transcript NM_172107.4 (MANE Select); coding-DNA position 1873, A replaced by T.
Protein change: p.Lys625Ter; replaces lysine 625 with a stop codon.
Molecular consequence: nonsense.
Genome position (GRCh38, 1-based): chr20:63,408,427, T>A on the plus strand (A>T on the coding strand, the complement: KCNQ2 is on the minus strand). VCF-style: chr20-63408427-T-A. GRCh37 (hg19) VCF-style: chr20-62039780-T-A.
Other names: c.1927A>T, p.Lys643Ter (NM_001382235.1); c.1789A>T, p.Lys597Ter (NM_004518.6); c.1819A>T, p.Lys607Ter (NM_172106.3); c.1780A>T, p.Lys594Ter (NM_172108.5); short protein forms K597*, K607*, K643*, K625*, K594*.
Identifiers: ClinVar variation 2695163 (VCV002695163.3), dbSNP rs2516117275, ClinGen allele CA409640229.